The following is an entry in ClinVar:

NM_004646.4(NPHS1):c.3206T>C (p.Leu1069Pro)

Gene: NPHS1 (NPHS1 adhesion molecule, nephrin; minus strand). Cytogenetic location: 19q13.12.
Variant type: single nucleotide variant.
Coding change: c.3206T>C on transcript NM_004646.4 (MANE Select); coding-DNA position 3206, T replaced by C.
Protein change: p.Leu1069Pro; replaces leucine 1069 with proline.
Molecular consequence: missense variant.
Genome position (GRCh38, 1-based): chr19:35,831,723, A>G on the plus strand (T>C on the coding strand, the complement: NPHS1 is on the minus strand). VCF-style: chr19-35831723-A-G. GRCh37 (hg19) VCF-style: chr19-36322625-A-G.
Other names: short protein forms L1069P.
Identifiers: ClinVar variation 328857 (VCV000328857.8), dbSNP rs756273676, ClinGen allele CA9389874.

ClinVar aggregate classification (germline): Uncertain significance. Review status: criteria provided, multiple submitters, no conflicts (2 of 4 stars). 3 submissions from 3 submitters: Uncertain significance (3). Last evaluated 2024-08-12.

Conditions:
Finnish congenital nephrotic syndrome (NPHS1). Also called: NEPHROTIC SYNDROME, TYPE 1. Identifiers: Orphanet 839, MedGen C0403399, MONDO:0009732, OMIM 256300.
Congenital nephrotic syndrome. Also called: Familial nephrotic syndrome. Identifiers: MedGen C3501848, MeSH C535761, MONDO:0002350, HP:0008677.

Allele frequency attached by ClinVar (database versions not stated): gnomAD exomes 0.00001 and 0.00002; TOPMed 0.00001; ExAC 0.00002; gnomAD 0.00003.
gnomAD v4.1: 6 of 1,590,174 alleles (0.00038%); highest among the groups gnomAD compares: Admixed American, 0.0089%; no homozygotes.

Submissions (3):

Labcorp Genetics (formerly Invitae), Labcorp
Classification: Uncertain significance. Last evaluated: 2024-08-12. Review status: criteria provided, single submitter. Criteria: Invitae Variant Classification Sherloc (09022015). Collection method: clinical testing. Allele origin: germline.
Comment: This sequence change replaces leucine, which is neutral and non-polar, with proline, which is neutral and non-polar, at codon 1069 of the NPHS1 protein (p.Leu1069Pro). This variant is present in population databases (rs756273676, gnomAD 0.02%). This missense change has been observed in individual(s) with nephrotic syndrome (Invitae). ClinVar contains an entry for this variant (Variation ID: 328857). Advanced modeling of protein sequence and biophysical properties (such as structural, functional, and spatial information, amino acid conservation, physicochemical variation, residue mobility, and thermodynamic stability) has been performed at Invitae for this missense variant, however the output from this modeling did not meet the statistical confidence thresholds required to predict the impact of this variant on NPHS1 protein function. In summary, the available evidence is currently insufficient to determine the role of this variant in disease. Therefore, it has been classified as a Variant of Uncertain Significance.

Fulgent Genetics
Classification: Uncertain significance for Finnish congenital nephrotic syndrome. Last evaluated: 2024-03-04. Review status: criteria provided, single submitter. Criteria: ACMG Guidelines, 2015. Collection method: clinical testing. Allele origin: germline.

Illumina Laboratory Services, Illumina
Classification: Uncertain significance for Congenital nephrotic syndrome. Last evaluated: 2018-01-13. Review status: criteria provided, single submitter. Criteria: ICSL Variant Classification Criteria 13 December 2019. Collection method: clinical testing. Allele origin: germline.